The following is an entry in ClinVar:

ClinVar aggregate classification (germline): Likely pathogenic (1 of 4 stars; one submission).

Conditions:
Citrin deficiency. Identifiers: Orphanet 247582, MedGen C1997910, MONDO:0016602.

Submission:

Labcorp Genetics (formerly Invitae), Labcorp
Classification: Likely pathogenic for Citrin deficiency. Last evaluated: 2022-05-19. Review status: criteria provided, single submitter. Criteria: Invitae Variant Classification Sherloc (09022015). Collection method: clinical testing. Allele origin: germline.
Comment: In summary, the currently available evidence indicates that the variant is pathogenic, but additional data are needed to prove that conclusively. Therefore, this variant has been classified as Likely Pathogenic. Algorithms developed to predict the effect of sequence changes on RNA splicing suggest that this variant may disrupt the consensus splice site. This sequence change affects an acceptor splice site in intron 3 of the SLC25A13 gene. It is expected to disrupt RNA splicing. Variants that disrupt the donor or acceptor splice site typically lead to a loss of protein function (PMID: 16199547), and loss-of-function variants in SLC25A13 are known to be pathogenic (PMID: 10369257, 14680984, 27405544). This variant is not present in population databases (gnomAD no frequency). This variant has not been reported in the literature in individuals affected with SLC25A13-related conditions.

Literature cited by the submitters: PubMed 16199547; PubMed 10369257; PubMed 14680984; PubMed 27405544.

NM_014251.3(SLC25A13):c.213-2A>G

Gene: SLC25A13 (solute carrier family 25 member 13; minus strand). Cytogenetic location: 7q21.3.
Variant type: single nucleotide variant.
Coding change: c.213-2A>G on transcript NM_014251.3 (MANE Select); the canonical splice acceptor site of the intron before coding-DNA position 213, A replaced by G.
Molecular consequence: splice acceptor variant.
Genome position (GRCh38, 1-based): chr7:96,234,919, T>C on the plus strand (A>G on the coding strand, the complement: SLC25A13 is on the minus strand). VCF-style: chr7-96234919-T-C. GRCh37 (hg19) VCF-style: chr7-95864231-T-C.
Other names: c.213-2A>G (NM_001160210.2).
Identifiers: ClinVar variation 1996379 (VCV001996379.4), dbSNP rs2485974254, ClinGen allele CA368408425.
Genomic context (GRCh38, chr7:96,234,919, plus strand): 5'-AAGCATCAGGGGCACACAGGACAGATTCAAAGGCAACAAATTCTTGAAAAGATATTAATC[T>C]GCAACATAAAACAAACATAAAGCAAAAGTCAGTAGCTTGTGGAAAACAGAAGCATATACA-3'